The following is an entry in ClinVar:

NM_002336.3(LRP6):c.2791G>A (p.Ala931Thr)

Gene: LRP6 (LDL receptor related protein 6; minus strand). Cytogenetic location: 12p13.2.
Variant type: single nucleotide variant.
Coding change: c.2791G>A on transcript NM_002336.3 (MANE Select); coding-DNA position 2791, G replaced by A.
Protein change: p.Ala931Thr; replaces alanine 931 with threonine.
Molecular consequence: missense variant.
Genome position (GRCh38, 1-based): chr12:12,158,829, C>T on the plus strand (G>A on the coding strand, the complement: LRP6 is on the minus strand). VCF-style: chr12-12158829-C-T. GRCh37 (hg19) VCF-style: chr12-12311763-C-T.
Other names: c.2791G>A, p.Ala931Thr (NM_001414244.1, NM_001414245.1, NM_001414246.1 and 4 more transcripts); c.2593G>A, p.Ala865Thr (NM_001414247.1); c.2338G>A, p.Ala780Thr (NM_001414252.1, NM_001414253.1, NM_001414254.1); c.2284G>A, p.Ala762Thr (NM_001414255.1); short protein forms A780T, A931T, A762T, A865T.
Identifiers: ClinVar variation 2027668 (VCV002027668.4), dbSNP rs1331328023, ClinGen allele CA383943573.

ClinVar aggregate classification (germline): Uncertain significance (1 of 4 stars; one submission).

Allele frequency attached by ClinVar (database versions not stated): gnomAD exomes below 0.00001.
gnomAD v4.1: 1 of 1,613,906 alleles (0.000062%); no homozygotes.

Submission:

Labcorp Genetics (formerly Invitae), Labcorp
Classification: Uncertain significance. Last evaluated: 2022-08-28. Review status: criteria provided, single submitter. Criteria: Invitae Variant Classification Sherloc (09022015). Collection method: clinical testing. Allele origin: germline.
Comment: Variants that disrupt the consensus splice site are a relatively common cause of aberrant splicing (PMID: 17576681, 9536098). Algorithms developed to predict the effect of sequence changes on RNA splicing suggest that this variant may disrupt the consensus splice site. In summary, the available evidence is currently insufficient to determine the role of this variant in disease. Therefore, it has been classified as a Variant of Uncertain Significance. Algorithms developed to predict the effect of missense changes on protein structure and function are either unavailable or do not agree on the potential impact of this missense change (SIFT: "Deleterious"; PolyPhen-2: "Benign"; Align-GVGD: "Class C0"). This variant has not been reported in the literature in individuals affected with LRP6-related conditions. This variant is not present in population databases (gnomAD no frequency). This sequence change replaces alanine, which is neutral and non-polar, with threonine, which is neutral and polar, at codon 931 of the LRP6 protein (p.Ala931Thr). This variant also falls at the last nucleotide of exon 12, which is part of the consensus splice site for this exon.

Literature cited by the submitters: PubMed 17576681; PubMed 9536098.